The following is an entry in ClinVar:

NM_000390.4(CHM):c.7G>A (p.Asp3Asn)

Gene: CHM (CHM Rab escort protein; minus strand). Cytogenetic location: Xq21.2.
Variant type: single nucleotide variant.
Coding change: c.7G>A on transcript NM_000390.4 (MANE Select); coding-DNA position 7, G replaced by A.
Protein change: p.Asp3Asn; replaces aspartic acid 3 with asparagine.
Molecular consequence: missense variant.
Genome position (GRCh38, 1-based): chrX:86,047,526, C>T on the plus strand (G>A on the coding strand, the complement: CHM is on the minus strand). VCF-style: chrX-86047526-C-T. GRCh37 (hg19) VCF-style: chrX-85302530-C-T.
Other names: c.7G>A, p.Asp3Asn (NM_001145414.4); short protein forms D3N.
Identifiers: ClinVar variation 1931543 (VCV001931543.5), dbSNP rs1934697086, ClinGen allele CA413788717.

ClinVar aggregate classification (germline): Uncertain significance (1 of 4 stars; one submission).

Allele frequency attached by ClinVar (database versions not stated): gnomAD exomes below 0.00001.
gnomAD v4.1: 1 of 1,205,834 alleles (0.000083%); highest among the groups gnomAD compares: Non-Finnish European, 0.00011%; no homozygotes.

Submission:

Labcorp Genetics (formerly Invitae), Labcorp
Classification: Uncertain significance. Last evaluated: 2023-10-03. Review status: criteria provided, single submitter. Criteria: Invitae Variant Classification Sherloc (09022015). Collection method: clinical testing. Allele origin: germline.
Comment: This sequence change replaces aspartic acid, which is acidic and polar, with asparagine, which is neutral and polar, at codon 3 of the CHM protein (p.Asp3Asn). This variant is not present in population databases (gnomAD no frequency). This variant has not been reported in the literature in individuals affected with CHM-related conditions. ClinVar contains an entry for this variant (Variation ID: 1931543). Algorithms developed to predict the effect of missense changes on protein structure and function output the following: SIFT: "Not Available"; PolyPhen-2: "Benign"; Align-GVGD: "Not Available". The asparagine amino acid residue is found in multiple mammalian species, which suggests that this missense change does not adversely affect protein function. In summary, the available evidence is currently insufficient to determine the role of this variant in disease. Therefore, it has been classified as a Variant of Uncertain Significance.